The following is an entry in ClinVar:

ClinVar aggregate classification (germline): Uncertain significance. Review status: criteria provided, multiple submitters, no conflicts (2 of 4 stars). 8 submissions from 8 submitters: Uncertain significance (8). Last evaluated 2026-07-13.

Conditions:
Polycystic liver disease 4 with or without kidney cysts. Identifiers: MedGen C4693479, MONDO:0044327, OMIM 617875.
Exudative vitreoretinopathy 1 (EVR1). Also called: CRISWICK-SCHEPENS SYNDROME; FEVR, AUTOSOMAL DOMINANT; Familial exudative vitreoretinopathy, autosomal dominant. Identifiers: Orphanet 891, Orphanet 90050, MedGen C1851402, MONDO:0007589, OMIM 133780.
Osteoporosis with pseudoglioma (OPPG). Also called: osteoporosis-pseudoglioma syndrome. Identifiers: Orphanet 2788, MedGen C0432252, MONDO:0009820, OMIM 259770.
Exudative vitreoretinopathy 4 (EVR4). Identifiers: Orphanet 891, MedGen C1866176, MONDO:0011151, OMIM 601813.
Autosomal dominant osteopetrosis 1 (OPTA1). Also called: OSTEOPETROSIS, AUTOSOMAL DOMINANT, TYPE I. Identifiers: Orphanet 2783, MedGen C1843330, MONDO:0011877, OMIM 607634.
Osteoporosis. Identifiers: MedGen C0029456, MONDO:0005298, OMIM 166710, HP:0000939.
Worth disease. Also called: ENDOSTEAL HYPEROSTOSIS, AUTOSOMAL DOMINANT; OSTEOSCLEROSIS, AUTOSOMAL DOMINANT; Autosomal dominant osteosclerosis, Worth type. Identifiers: Orphanet 2790, MedGen C0432273, MONDO:0007764, OMIM 144750.
Bone mineral density quantitative trait locus 1 (BMND1). Identifiers: MedGen C1866079, OMIM 601884.
LRP5-related disorder. Also called: LRP5-related condition.
Osteogenesis imperfecta (OI). Identifiers: Orphanet 666, MedGen C0029434, MeSH D010013, MONDO:0019019.

Allele frequency attached by ClinVar (database versions not stated): TOPMed 0.00014; ESP Exome Variant Server 0.00015.
gnomAD v4.1: 453 of 1,613,990 alleles (0.028%); highest among the groups gnomAD compares: Non-Finnish European, 0.036%; no homozygotes.

Submissions (8):

PreventionGenetics, part of Exact Sciences
Classification: Uncertain significance for LRP5-related condition. Last evaluated: 2026-07-13. Review status: criteria provided, single submitter. Criteria: ACMG Guidelines, 2015. Collection method: clinical testing. Allele origin: germline.
Comment: The LRP5 c.533G>T variant is predicted to result in the amino acid substitution p.Arg178Leu. To our knowledge, this variant has not been reported in the literature. This variant is reported in 0.021% of alleles in individuals of European (Non-Finnish) descent in gnomAD. An alternative variant affecting the same amino acid position, c. 533G>A, p.(Arg178Gln), has been reported in cis with another causative LRP5 variant in an individual with early-onset osteoporosis (Supplementary data, Mancini et al. 2024. PubMed ID: 39316135). At this time, the clinical significance of this p.Arg178Leu variant is uncertain due to the absence of conclusive functional and genetic evidence.

GeneDx
Classification: Uncertain significance. Last evaluated: 2026-01-13. Review status: criteria provided, single submitter. Criteria: GeneDx Variant Classification Process June 2021. Collection method: clinical testing. Allele origin: germline. Affected: yes.
Comment: In silico analysis supports that this missense variant has a deleterious effect on protein structure/function; Has not been previously published as pathogenic or benign to our knowledge

Women's Health and Genetics/Laboratory Corporation of America, LabCorp
Classification: Uncertain significance. Last evaluated: 2025-12-11. Review status: criteria provided, single submitter. Criteria: LabCorp Variant Classification Summary - May 2015. Collection method: clinical testing. Allele origin: germline.
Comment: Variant summary: LRP5 c.533G>T (p.Arg178Leu) results in a non-conservative amino acid change in the encoded protein sequence. Algorithms developed to predict the effect of missense changes on protein structure and function all suggest that this variant is likely to be disruptive. The variant allele was found at a frequency of 0.0001 in 250878 control chromosomes. This frequency is not significantly higher than estimated for disease-causing variants in LRP5, allowing no conclusion about variant significance. To our knowledge, no occurrence of c.533G>T in individuals affected with LRP5-related conditions and no experimental evidence demonstrating its impact on protein function have been reported. ClinVar contains an entry for this variant (Variation ID: 853488). Based on the evidence outlined above, the variant was classified as uncertain significance.

Labcorp Genetics (formerly Invitae), Labcorp
Classification: Uncertain significance. Last evaluated: 2025-11-27. Review status: criteria provided, single submitter. Criteria: Invitae Variant Classification Sherloc (09022015). Collection method: clinical testing. Allele origin: germline.
Comment: This sequence change replaces arginine, which is basic and polar, with leucine, which is neutral and non-polar, at codon 178 of the LRP5 protein (p.Arg178Leu). This variant is present in population databases (rs183377804, gnomAD 0.02%). This variant has not been reported in the literature in individuals affected with LRP5-related conditions. ClinVar contains an entry for this variant (Variation ID: 853488). Invitae Evidence Modeling of protein sequence and biophysical properties (such as structural, functional, and spatial information, amino acid conservation, physicochemical variation, residue mobility, and thermodynamic stability) indicates that this missense variant is expected to disrupt LRP5 protein function with a positive predictive value of 80%. In summary, the available evidence is currently insufficient to determine the role of this variant in disease. Therefore, it has been classified as a Variant of Uncertain Significance.

Blueprint Genetics
Classification: Uncertain significance. Last evaluated: 2023-06-12. Review status: criteria provided, single submitter. Criteria: ACMG Guidelines, 2015. Collection method: clinical testing. Allele origin: germline.

Fulgent Genetics
Classification: Uncertain significance for Exudative vitreoretinopathy 1; Worth disease; Osteoporosis; Osteoporosis with pseudoglioma; Exudative vitreoretinopathy 4; Bone mineral density quantitative trait locus 1; Autosomal dominant osteopetrosis 1; Polycystic liver disease 4 with or without kidney cysts. Last evaluated: 2022-03-11. Review status: criteria provided, single submitter. Criteria: ACMG Guidelines, 2015. Collection method: clinical testing. Allele origin: unknown.

Genome Diagnostics Laboratory, The Hospital for Sick Children
Classification: Uncertain significance for Osteogenesis imperfecta. Last evaluated: 2021-01-19. Review status: criteria provided, single submitter. Criteria: ACMG Guidelines, 2015. Collection method: clinical testing. Allele origin: germline.

Breakthrough Genomics
Classification: Uncertain significance. Review status: criteria provided, single submitter. Criteria: ACMG Guidelines, 2015. Collection method: not provided. Allele origin: germline. Inheritance: Autosomal recessive inheritance. Affected: yes.

NM_002335.4(LRP5):c.533G>T (p.Arg178Leu)

Gene: LRP5 (LDL receptor related protein 5; plus strand). Cytogenetic location: 11q13.2.
Variant type: single nucleotide variant.
Coding change: c.533G>T on transcript NM_002335.4 (MANE Select); coding-DNA position 533, G replaced by T.
Protein change: p.Arg178Leu; replaces arginine 178 with leucine.
Molecular consequence: missense variant. On other transcripts: 5 prime UTR variant (1).
Genome position (GRCh38, 1-based): chr11:68,357,694, G>T. VCF-style: chr11-68357694-G-T. GRCh37 (hg19) VCF-style: chr11-68125162-G-T.
Other names: c.-1233G>T (NM_001291902.2); short protein forms R178L.
Identifiers: ClinVar variation 853488 (VCV000853488.19), dbSNP rs183377804, ClinGen allele CA6149043.